The following is an entry in ClinVar:

ClinVar aggregate classification (germline): Uncertain significance. Review status: criteria provided, multiple submitters, no conflicts (2 of 4 stars). 3 submissions from 3 submitters: Uncertain significance (3). Last evaluated 2025-11-02.

Conditions:
Familial episodic pain syndrome with predominantly lower limb involvement. Also called: Episodic pain syndrome, familial, 3. Identifiers: Orphanet 391384, Orphanet 391392, MedGen C3809899, MONDO:0014247, OMIM 615552.
Hereditary sensory and autonomic neuropathy type 7. Also called: HSAN VII; Neuropathy, hereditary sensory and autonomic, type VII. Identifiers: Orphanet 391397, MedGen C3809882, MONDO:0014244, OMIM 615548.
Inborn genetic diseases. Identifiers: MedGen C0950123, MeSH D030342.

Allele frequency attached by ClinVar (database versions not stated): gnomAD 0.00001; gnomAD exomes 0.00001; TOPMed 0.00001; ExAC 0.00002.
gnomAD v4.1: 41 of 1,601,602 alleles (0.0026%); highest among the groups gnomAD compares: Non-Finnish European, 0.0032%; no homozygotes.

Submissions (3):

Mayo Clinic Laboratories, Mayo Clinic
Classification: Uncertain significance. Last evaluated: 2025-11-02. Review status: criteria provided, single submitter. Criteria: ACMG Guidelines, 2015. Collection method: clinical testing. Allele origin: germline. Observed: 1 variant allele.
Comment: PP3_moderate

Labcorp Genetics (formerly Invitae), Labcorp
Classification: Uncertain significance for Familial episodic pain syndrome with predominantly lower limb involvement; Hereditary sensory and autonomic neuropathy type 7. Last evaluated: 2023-06-17. Review status: criteria provided, single submitter. Criteria: Invitae Variant Classification Sherloc (09022015). Collection method: clinical testing. Allele origin: germline.
Comment: In summary, the available evidence is currently insufficient to determine the role of this variant in disease. Therefore, it has been classified as a Variant of Uncertain Significance. Advanced modeling of protein sequence and biophysical properties (such as structural, functional, and spatial information, amino acid conservation, physicochemical variation, residue mobility, and thermodynamic stability) performed at Invitae indicates that this missense variant is expected to disrupt SCN11A protein function. ClinVar contains an entry for this variant (Variation ID: 1393337). This variant has not been reported in the literature in individuals affected with SCN11A-related conditions. This variant is present in population databases (rs762472453, gnomAD 0.002%). This sequence change replaces leucine, which is neutral and non-polar, with phenylalanine, which is neutral and non-polar, at codon 805 of the SCN11A protein (p.Leu805Phe).

Ambry Genetics
Classification: Uncertain significance for Inborn genetic diseases. Last evaluated: 2021-02-20. Review status: criteria provided, single submitter. Criteria: Ambry Variant Classification Scheme 2023. Collection method: clinical testing. Allele origin: germline.
Comment: The p.L805F variant (also known as c.2413C>T), located in coding exon 15 of the SCN11A gene, results from a C to T substitution at nucleotide position 2413. The leucine at codon 805 is replaced by phenylalanine, an amino acid with highly similar properties. This amino acid position is highly conserved in available vertebrate species. In addition, this alteration is predicted to be deleterious by in silico analysis. Since supporting evidence is limited at this time, the clinical significance of this alteration remains unclear.

NM_001349253.2(SCN11A):c.2413C>T (p.Leu805Phe)

Gene: SCN11A (sodium voltage-gated channel alpha subunit 11; minus strand). Cytogenetic location: 3p22.2.
Variant type: single nucleotide variant.
Coding change: c.2413C>T on transcript NM_001349253.2 (MANE Select); coding-DNA position 2413, C replaced by T.
Protein change: p.Leu805Phe; replaces leucine 805 with phenylalanine.
Molecular consequence: missense variant.
Genome position (GRCh38, 1-based): chr3:38,894,955, G>A on the plus strand (C>T on the coding strand, the complement: SCN11A is on the minus strand). VCF-style: chr3-38894955-G-A. GRCh37 (hg19) VCF-style: chr3-38936446-G-A.
Other names: p.Leu805Phe; c.2413C>T, p.Leu805Phe (NM_014139.3); short protein forms L805F.
Identifiers: ClinVar variation 1393337 (VCV001393337.11), dbSNP rs762472453, ClinGen allele CA2322038.